The following is an entry in ClinVar:

ClinVar aggregate classification (germline): Uncertain significance (1 of 4 stars; one submission).

gnomAD v4.1: 6 of 1,528,618 alleles (0.00039%); highest among the groups gnomAD compares: Non-Finnish European, 0.00044%; no homozygotes.

Submission:

GeneDx
Classification: Uncertain significance. Last evaluated: 2023-11-01. Review status: criteria provided, single submitter. Criteria: GeneDx Variant Classification Process June 2021. Collection method: clinical testing. Allele origin: germline. Affected: yes.
Comment: Not observed at significant frequency in large population cohorts (gnomAD); In silico analysis supports that this missense variant does not alter protein structure/function; Has not been previously published as pathogenic or benign to our knowledge

NM_001492.6(GDF1):c.328G>A (p.Ala110Thr)

Genes: CERS1 (ceramide synthase 1; minus strand), GDF1 (growth differentiation factor 1; minus strand). Cytogenetic location: 19p13.11.
Variant type: single nucleotide variant.
Coding change: c.328G>A on transcript NM_001492.6 (MANE Select); coding-DNA position 328, G replaced by A.
Protein change: p.Ala110Thr; replaces alanine 110 with threonine.
Molecular consequence: missense variant. On other transcripts: 3 prime UTR variant (2).
Genome position (GRCh38, 1-based): chr19:18,869,388, C>T on the plus strand (G>A on the coding strand, the complement: GDF1 is on the minus strand). VCF-style: chr19-18869388-C-T. GRCh37 (hg19) VCF-style: chr19-18980197-C-T.
Other names: c.*1189G>A (NM_001387440.1); c.*597G>A (NM_021267.5); c.328G>A, p.Ala110Thr (NM_001387438.1); short protein forms A110T.
Identifiers: ClinVar variation 3363746 (VCV003363746.1).
Genomic context (GRCh38, chr19:18,869,388, plus strand): 5'-CGACTGTCCACTCAGGGCAATGCCCCGCGGCCGAGGCAGGCTCCGAGGCCCGGGTGGGCG[C>T]ACCTGGGGAGGTAGGAACAGGAACTCGGCTCGCGCTGCGTCCCCGGCCTGCCCATGGGGT-3'
Protein context (NP_001483.3, residues 100-120): NIVRHIPDRG[Ala110Thr]PTRASEPASA